The following is an entry in ClinVar:

NM_001136157.2(OTUD5):c.82C>T (p.Pro28Ser)

Gene: OTUD5 (OTU deubiquitinase 5; minus strand). Cytogenetic location: Xp11.23.
Variant type: single nucleotide variant.
Coding change: c.82C>T on transcript NM_001136157.2 (MANE Select); coding-DNA position 82, C replaced by T.
Protein change: p.Pro28Ser; replaces proline 28 with serine.
Molecular consequence: missense variant. On other transcripts: intron variant (1).
Genome position (GRCh38, 1-based): chrX:48,957,489, G>A on the plus strand (C>T on the coding strand, the complement: OTUD5 is on the minus strand). VCF-style: chrX-48957489-G-A. GRCh37 (hg19) VCF-style: chrX-48814751-G-A.
Other names: c.82C>T, p.Pro28Ser (NM_001136158.2, NM_017602.4); c.-58+743C>T (NM_001136159.2); short protein forms P28S.
Identifiers: ClinVar variation 4985609 (VCV004985609.1).

ClinVar aggregate classification (germline): Uncertain significance (1 of 4 stars; one submission).

Conditions:
OTUD5-related disorder. Also called: OTUD5-related condition.

gnomAD v4.1: 4 of 842,198 alleles (0.00047%); highest among the groups gnomAD compares: Non-Finnish European, 0.00058%; no homozygotes.

Submission:

PreventionGenetics, part of Exact Sciences
Classification: Uncertain significance for OTUD5-related condition. Last evaluated: 2025-11-20. Review status: criteria provided, single submitter. Criteria: ACMG Guidelines, 2015. Collection method: clinical testing. Allele origin: germline.
Comment: The OTUD5 c.82C>T variant is predicted to result in the amino acid substitution p.Pro28Ser. To our knowledge, this variant has not been reported in the literature or in a large population database (gnomAD), indicating this variant is rare. At this time, the clinical significance of this variant is uncertain due to the absence of conclusive functional and genetic evidence.